The following is an entry in ClinVar:

NM_001134831.2(AHI1):c.2988+6T>C

Gene: AHI1 (Abelson helper integration site 1; minus strand). Cytogenetic location: 6q23.3.
Variant type: single nucleotide variant.
Coding change: c.2988+6T>C on transcript NM_001134831.2 (MANE Select); 6 bases into the intron after coding-DNA position 2988, T replaced by C.
Molecular consequence: intron variant.
Genome position (GRCh38, 1-based): chr6:135,404,945, A>G on the plus strand (T>C on the coding strand, the complement: AHI1 is on the minus strand). VCF-style: chr6-135404945-A-G. GRCh37 (hg19) VCF-style: chr6-135726083-A-G.
Other names: c.2988+6T>C (NM_001134830.2, NM_001350503.2, NM_017651.5 and 2 more transcripts).
Identifiers: ClinVar variation 493443 (VCV000493443.48), dbSNP rs751303913, ClinGen allele CA4012199.

ClinVar aggregate classification (germline): Conflicting classifications of pathogenicity. Review status: criteria provided, conflicting classifications (1 of 4 stars). 5 submissions from 5 submitters: Pathogenic (1); Likely pathogenic (1); Uncertain significance (3). Last evaluated 2025-09-02.

Conditions:
Intellectual disability. Also called: intellectual disabilities; Intellectual developmental disorder; Intellectual functioning disability. Identifiers: MedGen C3714756, MeSH D008607, MONDO:0001071, HP:0001249.
Retinitis pigmentosa (RP). Identifiers: Orphanet 791, MedGen C0035334, MeSH D012174, MONDO:0019200, OMIM 268000. Inheritance: Autosomal dominant, autosomal recessive and X linked inheritance.
Joubert syndrome. Also called: Familial aplasia of the vermis; JOUBERT-BOLTSHAUSER SYNDROME. Identifiers: Orphanet 475, MedGen C5979921, MONDO:0018772.

Allele frequency attached by ClinVar (database versions not stated): TOPMed below 0.00001; gnomAD 0.00001; ExAC 0.00003; gnomAD exomes 0.00003.
gnomAD v4.1: 20 of 1,607,772 alleles (0.0012%); highest among the groups gnomAD compares: South Asian, 0.016%; no homozygotes.

Submissions (5):

Clinical Genetics Laboratory, Skane University Hospital Lund
Classification: Uncertain significance for Intellectual disability. Last evaluated: 2025-09-02. Review status: criteria provided, single submitter. Criteria: ACMG Guidelines, 2015. Collection method: clinical testing. Allele origin: germline. Affected: yes.
Comment: ACMG criteria applied: PM2, PP3.

Labcorp Genetics (formerly Invitae), Labcorp
Classification: Likely pathogenic for Joubert syndrome. Last evaluated: 2024-09-23. Review status: criteria provided, single submitter. Criteria: Invitae Variant Classification Sherloc (09022015). Collection method: clinical testing. Allele origin: germline.
Comment: This sequence change falls in intron 21 of the AHI1 gene. It does not directly change the encoded amino acid sequence of the AHI1 protein. It affects a nucleotide within the consensus splice site. This variant is present in population databases (rs751303913, gnomAD 0.03%). This variant has been observed in individuals with AHI1-related conditions (PMID: 32531858; internal data). ClinVar contains an entry for this variant (Variation ID: 493443). Variants that disrupt the consensus splice site are a relatively common cause of aberrant splicing (PMID: 17576681, 9536098). Algorithms developed to predict the effect of sequence changes on RNA splicing suggest that this variant may disrupt the consensus splice site. In summary, the currently available evidence indicates that the variant is pathogenic, but additional data are needed to prove that conclusively. Therefore, this variant has been classified as Likely Pathogenic.

Blueprint Genetics
Classification: Uncertain significance. Last evaluated: 2023-09-13. Review status: criteria provided, single submitter. Criteria: ACMG Guidelines, 2015. Collection method: clinical testing. Allele origin: germline.

CeGaT Center for Human Genetics Tuebingen
Classification: Uncertain significance. Last evaluated: 2022-07-01. Review status: criteria provided, single submitter. Criteria: CeGaT Center For Human Genetics Tuebingen Variant Classification Criteria Version 2. Collection method: clinical testing. Allele origin: germline. Affected: yes. Observed: 2 variant alleles.
Comment: AHI1: PM2, PP3

Molecular Genetics Laboratory, Institute for Ophthalmic Research
Classification: Pathogenic for Retinitis pigmentosa. Last evaluated: 2020-01-09. Review status: criteria provided, single submitter. Criteria: ACMG Guidelines, 2015. Collection method: research. Allele origin: germline. Affected: yes.

Literature cited by the submitters: PubMed 32531858 (cited by Labcorp Genetics (formerly Invitae), Labcorp); PubMed 17576681 (cited by Labcorp Genetics (formerly Invitae), Labcorp); PubMed 9536098 (cited by Labcorp Genetics (formerly Invitae), Labcorp).